The following is an entry in ClinVar:

NM_002506.3(NGF):c.421G>C (p.Val141Leu)

Genes: NGF (nerve growth factor; minus strand), NGF-AS1 (NGF antisense RNA 1; plus strand). Cytogenetic location: 1p13.2.
Variant type: single nucleotide variant.
Coding change: c.421G>C on transcript NM_002506.3 (MANE Select); coding-DNA position 421, G replaced by C.
Protein change: p.Val141Leu; replaces valine 141 with leucine.
Molecular consequence: missense variant.
Genome position (GRCh38, 1-based): chr1:115,286,375, C>G on the plus strand (G>C on the coding strand, the complement: NGF is on the minus strand). VCF-style: chr1-115286375-C-G. GRCh37 (hg19) VCF-style: chr1-115828996-C-G.
Other names: short protein forms V141L.
Identifiers: ClinVar variation 291989 (VCV000291989.14), dbSNP rs199511298, ClinGen allele CA1022974.

ClinVar aggregate classification (germline): Uncertain significance. Review status: criteria provided, multiple submitters, no conflicts (2 of 4 stars). 3 submissions from 3 submitters: Uncertain significance (3). Last evaluated 2023-04-11.

Conditions:
Congenital sensory neuropathy with selective loss of small myelinated fibers (HSAN5). Also called: HSAN Type V. Identifiers: Orphanet 64752, MedGen C0020075, MONDO:0012092, OMIM 608654.

Allele frequency attached by ClinVar (database versions not stated): ExAC 0.00002; gnomAD 0.00003.
gnomAD v4.1: 19 of 1,613,894 alleles (0.0012%); highest among the groups gnomAD compares: Admixed American, 0.0033%; no homozygotes.

Submissions (3):

Genome-Nilou Lab
Classification: Uncertain significance for Congenital sensory neuropathy with selective loss of small myelinated fibers. Last evaluated: 2023-04-11. Review status: criteria provided, single submitter. Criteria: ACMG Guidelines, 2015. Collection method: clinical testing. Allele origin: germline. Affected: no.

Labcorp Genetics (formerly Invitae), Labcorp
Classification: Uncertain significance for Congenital sensory neuropathy with selective loss of small myelinated fibers. Last evaluated: 2021-08-15. Review status: criteria provided, single submitter. Criteria: Invitae Variant Classification Sherloc (09022015). Collection method: clinical testing. Allele origin: germline.
Comment: In summary, the available evidence is currently insufficient to determine the role of this variant in disease. Therefore, it has been classified as a Variant of Uncertain Significance. Algorithms developed to predict the effect of missense changes on protein structure and function (SIFT, PolyPhen-2, Align-GVGD) all suggest that this variant is likely to be tolerated, but these predictions have not been confirmed by published functional studies and their clinical significance is uncertain. This variant has not been reported in the literature in individuals with NGF-related conditions. ClinVar contains an entry for this variant (Variation ID: 291989). This variant is present in population databases (rs199511298, ExAC 0.009%). This sequence change replaces valine with leucine at codon 141 of the NGF protein (p.Val141Leu). The valine residue is moderately conserved and there is a small physicochemical difference between valine and leucine.

Illumina Laboratory Services, Illumina
Classification: Uncertain significance for Congenital sensory neuropathy with selective loss of small myelinated fibers. Last evaluated: 2018-01-13. Review status: criteria provided, single submitter. Criteria: ICSL Variant Classification Criteria 13 December 2019. Collection method: clinical testing. Allele origin: germline.